The following is an entry in ClinVar:

ClinVar aggregate classification (germline): Uncertain significance (1 of 4 stars; one submission).

Conditions:
Tuberous sclerosis 2 (TSC2). Identifiers: Orphanet 805, MedGen C1860707, MONDO:0013199, OMIM 613254.

Submission:

Labcorp Genetics (formerly Invitae), Labcorp
Classification: Uncertain significance for Tuberous sclerosis 2. Last evaluated: 2024-01-13. Review status: criteria provided, single submitter. Criteria: Invitae Variant Classification Sherloc (09022015). Collection method: clinical testing. Allele origin: unknown.
Comment: This variant results in a copy number gain of the genomic region encompassing exon(s) 23-42 of the TSC2 gene. This region includes the termination codon of the gene. This copy number gain extends beyond the assayed region for this gene and therefore may encompass additional genes. As the precise location of this event is unknown, it may be in tandem or it may be located elsewhere in the genome. This variant has not been reported in the literature in individuals affected with TSC2-related conditions. In summary, the available evidence is currently insufficient to determine the role of this variant in disease. Therefore, it has been classified as a Variant of Uncertain Significance.

NC_000016.9:g.(?_2125780)_(2138611_?)dup

Gene: TSC2 (TSC complex subunit 2; plus strand). Cytogenetic location: 16p13.3.
Variant type: Duplication.
Identifiers: ClinVar variation 3243468 (VCV003243468.1).